The following is an entry in ClinVar:

ClinVar aggregate classification (germline): Uncertain significance (1 of 4 stars; one submission).

Allele frequency attached by ClinVar (database versions not stated): gnomAD 0.00001; ExAC 0.00002; ESP Exome Variant Server 0.00008.
gnomAD v4.1: 10 of 1,613,300 alleles (0.00062%); highest among the groups gnomAD compares: African/African-American, 0.0013%; no homozygotes.

Submission:

Labcorp Genetics (formerly Invitae), Labcorp
Classification: Uncertain significance. Last evaluated: 2023-08-30. Review status: criteria provided, single submitter. Criteria: Invitae Variant Classification Sherloc (09022015). Collection method: clinical testing. Allele origin: germline.
Comment: This sequence change replaces arginine, which is basic and polar, with glutamine, which is neutral and polar, at codon 170 of the RIN2 protein (p.Arg170Gln). This variant is present in population databases (rs369874324, gnomAD 0.004%). In summary, the available evidence is currently insufficient to determine the role of this variant in disease. Therefore, it has been classified as a Variant of Uncertain Significance. Experimental studies and prediction algorithms are not available or were not evaluated, and the functional significance of this variant is currently unknown. ClinVar contains an entry for this variant (Variation ID: 1948562). This variant has not been reported in the literature in individuals affected with RIN2-related conditions.

NM_018993.4(RIN2):c.509G>A (p.Arg170Gln)

Gene: RIN2 (Ras and Rab interactor 2; plus strand). Cytogenetic location: 20p11.23.
Variant type: single nucleotide variant.
Coding change: c.509G>A on transcript NM_018993.4 (MANE Select); coding-DNA position 509, G replaced by A.
Protein change: p.Arg170Gln; replaces arginine 170 with glutamine.
Molecular consequence: missense variant. On other transcripts: intron variant (1).
Genome position (GRCh38, 1-based): chr20:19,964,997, G>A. VCF-style: chr20-19964997-G-A. GRCh37 (hg19) VCF-style: chr20-19945641-G-A.
Other names: c.656G>A, p.Arg219Gln (NM_001242581.2); c.-83+4186G>A (NM_001378238.1); short protein forms R219Q, R170Q.
Identifiers: ClinVar variation 1948562 (VCV001948562.5), dbSNP rs369874324, ClinGen allele CA9779848.